The following is an entry in ClinVar:

NM_000631.5(NCF4):c.545C>T (p.Thr182Ile)

Gene: NCF4 (neutrophil cytosolic factor 4; plus strand). Cytogenetic location: 22q12.3.
Variant type: single nucleotide variant.
Coding change: c.545C>T on transcript NM_000631.5 (MANE Select); coding-DNA position 545, C replaced by T.
Protein change: p.Thr182Ile; replaces threonine 182 with isoleucine.
Molecular consequence: missense variant.
Genome position (GRCh38, 1-based): chr22:36,872,343, C>T. VCF-style: chr22-36872343-C-T. GRCh37 (hg19) VCF-style: chr22-37268385-C-T.
Other names: c.545C>T, p.Thr182Ile (NM_013416.4); short protein forms T182I.
Identifiers: ClinVar variation 3717522 (VCV003717522.2).

ClinVar aggregate classification (germline): Uncertain significance (1 of 4 stars; one submission).

Conditions:
Granulomatous disease, chronic, autosomal recessive, cytochrome b-positive, type 3. Also called: Granulomatous disease, chronic, autosomal recessive, cytochrome b-positive, type III; GRANULOMATOUS DISEASE, CHRONIC, AUTOSOMAL RECESSIVE, 3; CGD, AUTOSOMAL RECESSIVE CYTOCHROME b-POSITIVE, TYPE III; GRANULOMATOUS DISEASE, CHRONIC, DUE TO NCF4 DEFICIENCY. Identifiers: Orphanet 379, MedGen C3151409, MONDO:0013507, OMIM 613960.

gnomAD v4.1: 2 of 1,611,206 alleles (0.00012%); highest among the groups gnomAD compares: Non-Finnish European, 0.000085%; no homozygotes.

Submission:

Labcorp Genetics (formerly Invitae), Labcorp
Classification: Uncertain significance for Granulomatous disease, chronic, autosomal recessive, cytochrome b-positive, type 3. Last evaluated: 2024-08-31. Review status: criteria provided, single submitter. Criteria: Invitae Variant Classification Sherloc (09022015). Collection method: clinical testing. Allele origin: germline.
Comment: This sequence change replaces threonine, which is neutral and polar, with isoleucine, which is neutral and non-polar, at codon 182 of the NCF4 protein (p.Thr182Ile). This variant is not present in population databases (gnomAD no frequency). This variant has not been reported in the literature in individuals affected with NCF4-related conditions. An algorithm developed to predict the effect of missense changes on protein structure and function (PolyPhen-2) suggests that this variant is likely to be disruptive. In summary, the available evidence is currently insufficient to determine the role of this variant in disease. Therefore, it has been classified as a Variant of Uncertain Significance.